The following is an entry in ClinVar:

ClinVar aggregate classification (germline): Likely pathogenic (1 of 4 stars; one submission).

Conditions:
Mucopolysaccharidosis, MPS-III-C (MPS3C). Also called: MPS IIIC (Sanfilippo Syndrome Type C); SANFILIPPO SYNDROME C; MPS III C; Mucopolysaccharidosis type IIIC (Sanfilippo C); MUCOPOLYSACCHARIDOSIS, TYPE IIIC; mucopolysaccharidosis type 3C. Identifiers: Orphanet 581, Orphanet 79271, MedGen C0086649, MONDO:0009657, OMIM 252930.

Submission:

Natera, Inc.
Classification: Likely pathogenic for Mucopolysaccharidosis type IIIC. Last evaluated: 2025-09-12. Review status: criteria provided, single submitter. Criteria: Natera Variant Classification Schema (03/2026). Collection method: clinical testing. Allele origin: germline.
Comment: The c.1068C>G variant in HGSNAT is a nonsense variant predicted to introduce a stop codon at amino acid 356. This variant is expected to result in nonsense mediated decay, truncation, or a dysfunctional protein product. This variant is rare in the general population with a frequency below the threshold expected for the associated phenotype(s). Given the available evidence, this variant is classified as Likely Pathogenic.

NM_152419.3(HGSNAT):c.1068C>G (p.Tyr356Ter)

Gene: HGSNAT (heparan-alpha-glucosaminide N-acetyltransferase; plus strand). Cytogenetic location: 8p11.21.
Variant type: single nucleotide variant.
Coding change: c.1068C>G on transcript NM_152419.3 (MANE Select); coding-DNA position 1068, C replaced by G.
Protein change: p.Tyr356Ter; replaces tyrosine 356 with a stop codon.
Molecular consequence: nonsense.
Genome position (GRCh38, 1-based): chr8:43,182,200, C>G. VCF-style: chr8-43182200-C-G. GRCh37 (hg19) VCF-style: chr8-43037343-C-G.
Other names: c.1068C>G, p.Tyr356Ter (NM_001363227.2); c.876C>G, p.Tyr292Ter (NM_001363228.2); c.204C>G, p.Tyr68Ter (NM_001363229.2); short protein forms Y292*, Y356*, Y68*.
Identifiers: ClinVar variation 4816859 (VCV004816859.1).
Genomic context (GRCh38, chr8:43,182,200, plus strand): 5'-TGCAGTGTCTTGGGACAAGGTGCGCATTCCTGGTGTGCTGCAGCGATTGGGAGTGACATA[C>G]TTTGTGGTTGCTGTGTTGGAGCTCCTCTTTGCTAAACCTGTGCCTGAACATTGTGCCTCG-3'